The following is an entry in ClinVar:

NC_000012.12:g.40485746C>T

Gene: MUC19 (mucin 19, oligomeric (gene/pseudogene); plus strand). Cytogenetic location: 12q12.
Variant type: single nucleotide variant.
Genome position: GRCh38 VCF-style: chr12-40485746-C-T. GRCh37 (hg19) VCF-style: chr12-40879548-C-T.
Identifiers: ClinVar variation 2642870 (VCV002642870.24), dbSNP rs2498357522, ClinGen allele CA2575123870.

ClinVar aggregate classification (germline): Likely benign (1 of 4 stars; one submission).

Submission:

CeGaT Center for Human Genetics Tuebingen
Classification: Likely benign. Last evaluated: 2022-09-01. Review status: criteria provided, single submitter. Criteria: CeGaT Center For Human Genetics Tuebingen Variant Classification Criteria Version 2. Collection method: clinical testing. Allele origin: germline. Affected: yes. Observed: 1 variant allele.
Comment: MUC19: PM2:Supporting, BP4, BP7